The following is an entry in ClinVar:

NM_058216.3(RAD51C):c.374G>A (p.Gly125Asp)

Gene: RAD51C (RAD51 paralog C; plus strand). Cytogenetic location: 17q22.
Variant type: single nucleotide variant.
Coding change: c.374G>A on transcript NM_058216.3 (MANE Select); coding-DNA position 374, G replaced by A.
Protein change: p.Gly125Asp; replaces glycine 125 with aspartic acid.
Molecular consequence: missense variant. On other transcripts: non-coding transcript variant (2).
Genome position (GRCh38, 1-based): chr17:58,695,159, G>A. VCF-style: chr17-58695159-G-A. GRCh37 (hg19) VCF-style: chr17-56772520-G-A.
Other names: c.374G>A, p.Gly125Asp (NM_002876.4); c.374G>A (NM_058216.1); short protein forms G125D.
Identifiers: ClinVar variation 1062956 (VCV001062956.11), dbSNP rs267606998, ClinGen allele CA400341863.
Genomic context (GRCh38, chr17:58,695,159, plus strand): 5'-CAGCACTAGATGATATTCTTGGGGGTGGAGTGCCCTTAATGAAAACAACAGAAATTTGTG[G>A]TGCACCAGGTGTTGGAAAAACACAATTATGGTAAAATAAAGTGTTCTCCTTTTAAGGGTG-3'
Protein context (NP_478123.1, residues 115-135): VPLMKTTEIC[Gly125Asp]APGVGKTQLC

ClinVar aggregate classification (germline): Conflicting classifications of pathogenicity. Review status: criteria provided, conflicting classifications (1 of 4 stars). 2 submissions from 2 submitters: Likely pathogenic (1); Uncertain significance (1). Last evaluated 2025-09-03.

Conditions:
Hereditary cancer-predisposing syndrome. Also called: Tumor predisposition; Neoplastic Syndromes, Hereditary; Hereditary Cancer Syndrome; Hereditary neoplastic syndrome. Identifiers: Orphanet 140162, MedGen C0027672, MeSH D009386, MONDO:0015356.
Fanconi anemia complementation group O. Also called: RAD51C-Related Fanconi Anemia. Identifiers: Orphanet 84, MedGen C3150653, MONDO:0013248, OMIM 613390.

Submissions (2):

Ambry Genetics
Classification: Likely pathogenic for Hereditary cancer-predisposing syndrome. Last evaluated: 2025-09-03. Review status: criteria provided, single submitter. Criteria: Ambry Variant Classification Scheme 2023. Collection method: clinical testing. Allele origin: germline.
Comment: The p.G125D variant (also known as c.374G>A), located in coding exon 2 of the RAD51C gene, results from a G to A substitution at nucleotide position 374. The glycine at codon 125 is replaced by aspartic acid, an amino acid with similar properties. This amino acid position is highly conserved in available vertebrate species. In a homology-directed DNA repair (HDR) assay, this alteration showed a functionally abnormal read-out (Olvera-Le&oacute;n R et al Cell 2024 Oct;187(20):5719-5734.e19). This variant is considered to be rare based on population cohorts in the Genome Aggregation Database (gnomAD). In addition, this alteration is predicted to be deleterious by in silico analysis. Based on the majority of available evidence to date, this variant is likely to be pathogenic.

Labcorp Genetics (formerly Invitae), Labcorp
Classification: Uncertain significance for Fanconi anemia complementation group O. Last evaluated: 2022-09-22. Review status: criteria provided, single submitter. Criteria: Invitae Variant Classification Sherloc (09022015). Collection method: clinical testing. Allele origin: germline.
Comment: In summary, the available evidence is currently insufficient to determine the role of this variant in disease. Therefore, it has been classified as a Variant of Uncertain Significance. Advanced modeling of protein sequence and biophysical properties (such as structural, functional, and spatial information, amino acid conservation, physicochemical variation, residue mobility, and thermodynamic stability) performed at Invitae indicates that this missense variant is expected to disrupt RAD51C protein function. ClinVar contains an entry for this variant (Variation ID: 1062956). This variant has not been reported in the literature in individuals affected with RAD51C-related conditions. This variant is not present in population databases (gnomAD no frequency). This sequence change replaces glycine, which is neutral and non-polar, with aspartic acid, which is acidic and polar, at codon 125 of the RAD51C protein (p.Gly125Asp).